The following is an entry in ClinVar:

NM_015338.6(ASXL1):c.1870G>A (p.Val624Ile)

Gene: ASXL1 (ASXL transcriptional regulator 1; plus strand). Cytogenetic location: 20q11.21.
Variant type: single nucleotide variant.
Coding change: c.1870G>A on transcript NM_015338.6 (MANE Select); coding-DNA position 1870, G replaced by A.
Protein change: p.Val624Ile; replaces valine 624 with isoleucine.
Molecular consequence: missense variant.
Genome position (GRCh38, 1-based): chr20:32,434,582, G>A. VCF-style: chr20-32434582-G-A. GRCh37 (hg19) VCF-style: chr20-31022385-G-A.
Other names: c.1687G>A, p.Val563Ile (NM_001363734.1); short protein forms V563I, V624I.
Identifiers: ClinVar variation 3957780 (VCV003957780.1).

ClinVar aggregate classification (germline): Uncertain significance (1 of 4 stars; one submission).

Conditions:
Inborn genetic diseases. Identifiers: MedGen C0950123, MeSH D030342.

Submission:

Ambry Genetics
Classification: Uncertain significance for Inborn genetic diseases. Last evaluated: 2025-06-12. Review status: criteria provided, single submitter. Criteria: Ambry Variant Classification Scheme 2023. Collection method: clinical testing. Allele origin: germline.
Comment: The p.V624I variant (also known as c.1870G>A), located in coding exon 13 of the ASXL1 gene, results from a G to A substitution at nucleotide position 1870. The valine at codon 624 is replaced by isoleucine, an amino acid with highly similar properties. This amino acid position is conserved. In addition, this alteration is predicted to be tolerated by in silico analysis. Based on the available evidence, the clinical significance of this variant remains unclear.